The following is an entry in ClinVar:

ClinVar aggregate classification (germline): Uncertain significance. Review status: criteria provided, multiple submitters, no conflicts (2 of 4 stars). 2 submissions from 2 submitters: Uncertain significance (2). Last evaluated 2024-10-14.

Conditions:
TMEM67-related disorder. Also called: TMEM67-related condition; TMEM67-related disorders. Identifiers: MedGen CN239423.

gnomAD v4.1: 1 of 1,613,554 alleles (0.000062%); no homozygotes.

Submissions (2):

PreventionGenetics, part of Exact Sciences
Classification: Uncertain significance for TMEM67-related condition. Last evaluated: 2024-10-14. Review status: criteria provided, single submitter. Criteria: ACMG Guidelines, 2015. Collection method: clinical testing. Allele origin: germline.
Comment: The TMEM67 c.-1C>T variant is located in the 5' untranslated region. To our knowledge, this variant has not been reported in the literature or in a large population database (gnomAD), indicating this variant is rare. At this time, the clinical significance of this variant is uncertain due to the absence of conclusive functional and genetic evidence.

Women's Health and Genetics/Laboratory Corporation of America, LabCorp
Classification: Uncertain significance. Last evaluated: 2023-04-03. Review status: criteria provided, single submitter. Criteria: LabCorp Variant Classification Summary - May 2015. Collection method: clinical testing. Allele origin: germline.

NM_153704.6(TMEM67):c.-1C>T

Gene: TMEM67 (transmembrane protein 67; plus strand). Cytogenetic location: 8q22.1.
Variant type: single nucleotide variant.
Coding change: c.-1C>T on transcript NM_153704.6 (MANE Select); 1 bases upstream of the start codon, C replaced by T.
Molecular consequence: 5 prime UTR variant. On other transcripts: non-coding transcript variant (1), intron variant (1).
Genome position (GRCh38, 1-based): chr8:93,754,914, C>T. VCF-style: chr8-93754914-C-T. GRCh37 (hg19) VCF-style: chr8-94767142-C-T.
Other names: c.-180+5C>T (NM_001142301.1).
Identifiers: ClinVar variation 2503865 (VCV002503865.2), dbSNP rs2536752051, ClinGen allele CA2580617194.